The following is an entry in ClinVar:

NM_001363118.2(SLC52A2):c.1227C>T (p.Gly409=)

Gene: SLC52A2 (solute carrier family 52 member 2; plus strand). Cytogenetic location: 8q24.3.
Variant type: single nucleotide variant.
Coding change: c.1227C>T on transcript NM_001363118.2 (MANE Select); coding-DNA position 1227, C replaced by T.
Protein change: p.Gly409=; no amino-acid change (glycine 409 retained).
Molecular consequence: synonymous variant. On other transcripts: non-coding transcript variant (1).
Genome position (GRCh38, 1-based): chr8:144,360,904, C>T. VCF-style: chr8-144360904-C-T. GRCh37 (hg19) VCF-style: chr8-145584564-C-T.
Other names: c.1227C>T (NM_001253816.1); c.1227C>T, p.Gly409= (NM_001253815.2, NM_001253816.2, NM_001363120.2 and 2 more transcripts); c.735C>T, p.Gly245= (NM_001363122.2).
Identifiers: ClinVar variation 641307 (VCV000641307.10), dbSNP rs147518188, ClinGen allele CA4938441.

ClinVar aggregate classification (germline): Likely benign. Review status: criteria provided, multiple submitters, no conflicts (2 of 4 stars). 3 submissions from 3 submitters: Likely benign (3). Last evaluated 2025-11-11.

Conditions:
Brown-Vialetto-van Laere syndrome 2. Also called: SPINOCEREBELLAR ATAXIA WITH BLINDNESS AND DEAFNESS 2; Riboflavin transporter deficiency type 2. Identifiers: Orphanet 572543, Orphanet 97229, MedGen C3553538, MONDO:0013867, OMIM 614707.
SLC52A2-related disorder. Also called: SLC52A2-related condition.

Allele frequency attached by ClinVar (database versions not stated): ExAC 0.00006; ESP Exome Variant Server 0.00015; TOPMed 0.00005; gnomAD exomes 0.00004 and 0.00006; gnomAD 0.00005.
gnomAD v4.1: 71 of 1,613,058 alleles (0.0044%); highest among the groups gnomAD compares: Middle Eastern, 0.13%; 1 homozygote.

Submissions (3):

PreventionGenetics, part of Exact Sciences
Classification: Likely benign for SLC52A2-related condition. Last evaluated: 2025-11-11. Review status: criteria provided, single submitter. Criteria: ACMG Guidelines, 2015. Collection method: clinical testing. Allele origin: germline.
Comment: This variant is classified as likely benign based on ACMG/AMP sequence variant interpretation guidelines (Richards et al. 2015 PMID: 25741868, with internal and published modifications).

Labcorp Genetics (formerly Invitae), Labcorp
Classification: Likely benign for Brown-Vialetto-van Laere syndrome 2. Last evaluated: 2025-09-09. Review status: criteria provided, single submitter. Criteria: Invitae Variant Classification Sherloc (09022015). Collection method: clinical testing. Allele origin: germline.

GeneDx
Classification: Likely benign. Last evaluated: 2018-03-29. Review status: criteria provided, single submitter. Criteria: GeneDx Variant Classification (06012015). Collection method: clinical testing. Allele origin: germline. Affected: yes.
Comment: This variant is considered likely benign or benign based on one or more of the following criteria: it is a conservative change, it occurs at a poorly conserved position in the protein, it is predicted to be benign by multiple in silico algorithms, and/or has population frequency not consistent with disease.